The following is an entry in ClinVar:

NM_003900.5(SQSTM1):c.103G>A (p.Ala35Thr)

Gene: SQSTM1 (sequestosome 1; plus strand). Cytogenetic location: 5q35.3.
Variant type: single nucleotide variant.
Coding change: c.103G>A on transcript NM_003900.5 (MANE Select); coding-DNA position 103, G replaced by A.
Protein change: p.Ala35Thr; replaces alanine 35 with threonine.
Molecular consequence: missense variant. On other transcripts: intron variant (2).
Genome position (GRCh38, 1-based): chr5:179,821,039, G>A. VCF-style: chr5-179821039-G-A. GRCh37 (hg19) VCF-style: chr5-179248039-G-A.
Other names: c.-47-1919G>A (NM_001142298.2, NM_001142299.2); short protein forms A35T.
Identifiers: ClinVar variation 3748735 (VCV003748735.2).

ClinVar aggregate classification (germline): Uncertain significance (1 of 4 stars; one submission).

Conditions:
Frontotemporal dementia and/or amyotrophic lateral sclerosis 1 (FTDALS1). Also called: Frontotemporal dementia with motor neuron disease 1; C9orf72 Frontotemporal Dementia and/or Amyotrophic Lateral Sclerosis. Identifiers: Orphanet 275872, MedGen C5779877, MONDO:0007105, OMIM 105550.
Paget disease of bone 2, early-onset (PDB2). Also called: Paget disease of bone 2. Identifiers: MedGen C4085251, MONDO:0011183, OMIM 602080.

gnomAD v4.1: 1 of 1,550,160 alleles (0.000065%); highest among the groups gnomAD compares: South Asian, 0.0012%; no homozygotes.

Submission:

Labcorp Genetics (formerly Invitae), Labcorp
Classification: Uncertain significance for Paget disease of bone 2, early-onset; Frontotemporal dementia and/or amyotrophic lateral sclerosis 1. Last evaluated: 2024-04-15. Review status: criteria provided, single submitter. Criteria: Invitae Variant Classification Sherloc (09022015). Collection method: clinical testing. Allele origin: germline.
Comment: This sequence change replaces alanine, which is neutral and non-polar, with threonine, which is neutral and polar, at codon 35 of the SQSTM1 protein (p.Ala35Thr). The frequency data for this variant in the population databases is considered unreliable, as metrics indicate poor data quality at this position in the gnomAD database. This variant has not been reported in the literature in individuals affected with SQSTM1-related conditions. An algorithm developed to predict the effect of missense changes on protein structure and function (PolyPhen-2) suggests that this variant is likely to be tolerated. In summary, the available evidence is currently insufficient to determine the role of this variant in disease. Therefore, it has been classified as a Variant of Uncertain Significance.